The following is an entry in ClinVar:

NM_015311.3(OBSL1):c.4603G>A (p.Val1535Met)

Gene: OBSL1 (obscurin like cytoskeletal adaptor 1; minus strand). Cytogenetic location: 2q35.
Variant type: single nucleotide variant.
Coding change: c.4603G>A on transcript NM_015311.3 (MANE Select); coding-DNA position 4603, G replaced by A.
Protein change: p.Val1535Met; replaces valine 1535 with methionine.
Molecular consequence: missense variant.
Genome position (GRCh38, 1-based): chr2:219,556,026, C>T on the plus strand (G>A on the coding strand, the complement: OBSL1 is on the minus strand). VCF-style: chr2-219556026-C-T. GRCh37 (hg19) VCF-style: chr2-220420748-C-T.
Other names: c.4603G>A, p.Val1535Met (NM_001173431.2); short protein forms V1535M.
Identifiers: ClinVar variation 1511413 (VCV001511413.5), dbSNP rs772867533, ClinGen allele CA2130498.
Genomic context (GRCh38, chr2:219,556,026, plus strand): 5'-GAAAAGGCTGTGGTGTAGGGTGGGTAATGCATTAAGAGAGGACGGGGCACTCACGCCTCA[C>T]GCTGAGCCTGGCCAGGGTGCGATCGTGGTGGCTCTCGCAGCCGTAGGTGCCCTGGTCGGC-3'
Protein context (NP_056126.1, residues 1525-1545): HHDRTLARLS[Val1535Met]RPRQLRVLRP

ClinVar aggregate classification (germline): Uncertain significance (1 of 4 stars; one submission).

Allele frequency attached by ClinVar (database versions not stated): ExAC 0.00001; gnomAD 0.00002; TOPMed 0.00002; gnomAD exomes 0.00003 and 0.00004.
gnomAD v4.1: 58 of 1,613,330 alleles (0.0036%); highest among the groups gnomAD compares: Admixed American, 0.005%; no homozygotes.

Submission:

Labcorp Genetics (formerly Invitae), Labcorp
Classification: Uncertain significance. Last evaluated: 2022-08-22. Review status: criteria provided, single submitter. Criteria: Invitae Variant Classification Sherloc (09022015). Collection method: clinical testing. Allele origin: germline.
Comment: ClinVar contains an entry for this variant (Variation ID: 1511413). In summary, the available evidence is currently insufficient to determine the role of this variant in disease. Therefore, it has been classified as a Variant of Uncertain Significance. Algorithms developed to predict the effect of missense changes on protein structure and function are either unavailable or do not agree on the potential impact of this missense change (SIFT: "Deleterious"; PolyPhen-2: "Probably Damaging"; Align-GVGD: "Class C0"). This variant has not been reported in the literature in individuals affected with OBSL1-related conditions. This variant is present in population databases (rs772867533, gnomAD 0.02%). This sequence change replaces valine, which is neutral and non-polar, with methionine, which is neutral and non-polar, at codon 1535 of the OBSL1 protein (p.Val1535Met).